The following is an entry in ClinVar:

ClinVar aggregate classification (germline): Uncertain significance (1 of 4 stars; one submission).

Conditions:
Rhabdoid tumor predisposition syndrome 2 (RTPS2). Identifiers: Orphanet 231108, Orphanet 69077, MedGen C2750074, MONDO:0013224, OMIM 613325.

Allele frequency attached by ClinVar (database versions not stated): gnomAD exomes below 0.00001.
gnomAD v4.1: 1 of 1,613,876 alleles (0.000062%); no homozygotes.

Submission:

Labcorp Genetics (formerly Invitae), Labcorp
Classification: Uncertain significance for Rhabdoid tumor predisposition syndrome 2. Last evaluated: 2021-06-17. Review status: criteria provided, single submitter. Criteria: Invitae Variant Classification Sherloc (09022015). Collection method: clinical testing. Allele origin: germline.
Comment: In summary, the available evidence is currently insufficient to determine the role of this variant in disease. Therefore, it has been classified as a Variant of Uncertain Significance. Algorithms developed to predict the effect of missense changes on protein structure and function are either unavailable or do not agree on the potential impact of this missense change (SIFT: "Deleterious"; PolyPhen-2: "Probably Damaging"; Align-GVGD: "Class C15"). This variant has not been reported in the literature in individuals with SMARCA4-related conditions. This variant is not present in population databases (ExAC no frequency). This sequence change replaces leucine with phenylalanine at codon 476 of the SMARCA4 protein (p.Leu476Phe). The leucine residue is highly conserved and there is a small physicochemical difference between leucine and phenylalanine.

NM_003072.5(SMARCA4):c.1426C>T (p.Leu476Phe)

Gene: SMARCA4 (SWI/SNF related BAF chromatin remodeling complex subunit ATPase 4; plus strand). Cytogenetic location: 19p13.2.
Variant type: single nucleotide variant.
Coding change: c.1426C>T on transcript NM_003072.5 (MANE Select); coding-DNA position 1426, C replaced by T.
Protein change: p.Leu476Phe; replaces leucine 476 with phenylalanine.
Molecular consequence: missense variant. On other transcripts: non-coding transcript variant (1).
Genome position (GRCh38, 1-based): chr19:10,994,834, C>T. VCF-style: chr19-10994834-C-T. GRCh37 (hg19) VCF-style: chr19-11105510-C-T.
Other names: c.1426C>T, p.Leu476Phe (NM_001128844.3, NM_001128845.2, NM_001128846.2 and 5 more transcripts); short protein forms L476F.
Identifiers: ClinVar variation 1508512 (VCV001508512.8), dbSNP rs1600067548, ClinGen allele CA404061952.
Genomic context (GRCh38, chr19:10,994,834, plus strand): 5'-ATGTGTCCACCATGCTGCTGAAGGGTCAGCCTTCTCTTTTGTGCTTTCCTGCAGGAATAC[C>T]TCAATAGCATTCTCCAGCATGCCAAGGATTTCAAGGAATATCACAGATCCGTCACAGGCA-3'
Protein context (NP_003063.2, residues 466-486): RKRRQKHQEY[Leu476Phe]NSILQHAKDF